The following is an entry in ClinVar:

NM_001100.4(ACTA1):c.94G>A (p.Val32Met)

Gene: ACTA1 (actin alpha 1, skeletal muscle; minus strand). Cytogenetic location: 1q42.13.
Variant type: single nucleotide variant.
Coding change: c.94G>A on transcript NM_001100.4 (MANE Select); coding-DNA position 94, G replaced by A.
Protein change: p.Val32Met; replaces valine 32 with methionine.
Molecular consequence: missense variant.
Genome position (GRCh38, 1-based): chr1:229,433,022, C>T on the plus strand (G>A on the coding strand, the complement: ACTA1 is on the minus strand). VCF-style: chr1-229433022-C-T. GRCh37 (hg19) VCF-style: chr1-229568769-C-T.
Other names: short protein forms V32M.
Identifiers: ClinVar variation 4701248 (VCV004701248.1).

ClinVar aggregate classification (germline): Uncertain significance (1 of 4 stars; one submission).

Conditions:
Actin accumulation myopathy (CMYO2A). Also called: Myopathy, actin, congenital, with cores; Nemaline myopathy 3, with intranuclear rods; Nemaline myopathy type 3; Myopathy, actin, congenital, with excess of thin myofilaments; CONGENITAL MYOPATHY 2A, TYPICAL, AUTOSOMAL DOMINANT. Identifiers: Orphanet 98904, MedGen C3711389, MONDO:0008070, OMIM 161800.

Submission:

Labcorp Genetics (formerly Invitae), Labcorp
Classification: Uncertain significance for Actin accumulation myopathy. Last evaluated: 2025-05-15. Review status: criteria provided, single submitter. Criteria: Invitae Variant Classification Sherloc (09022015). Collection method: clinical testing. Allele origin: germline.
Comment: This sequence change replaces valine, which is neutral and non-polar, with methionine, which is neutral and non-polar, at codon 32 of the ACTA1 protein (p.Val32Met). This variant is not present in population databases (gnomAD no frequency). This variant has not been reported in the literature in individuals affected with ACTA1-related conditions. Invitae Evidence Modeling of protein sequence and biophysical properties (such as structural, functional, and spatial information, amino acid conservation, physicochemical variation, residue mobility, and thermodynamic stability) indicates that this missense variant is not expected to disrupt ACTA1 protein function with a negative predictive value of 80%. In summary, the available evidence is currently insufficient to determine the role of this variant in disease. Therefore, it has been classified as a Variant of Uncertain Significance.